The following is an entry in ClinVar:

NM_000642.3(AGL):c.2918G>A (p.Arg973Gln)

Gene: AGL (amylo-alpha-1,6-glucosidase and 4-alpha-glucanotransferase; plus strand). Cytogenetic location: 1p21.2.
Variant type: single nucleotide variant.
Coding change: c.2918G>A on transcript NM_000642.3 (MANE Select); coding-DNA position 2918, G replaced by A.
Protein change: p.Arg973Gln; replaces arginine 973 with glutamine.
Molecular consequence: missense variant.
Genome position (GRCh38, 1-based): chr1:99,891,325, G>A. VCF-style: chr1-99891325-G-A. GRCh37 (hg19) VCF-style: chr1-100356881-G-A.
Other names: c.2918G>A, p.Arg973Gln (NM_000028.3, NM_000643.3, NM_000644.3 and 1 more transcripts); c.2870G>A, p.Arg957Gln (NM_000646.3); c.2897G>A, p.Arg966Gln (NM_001425326.1); c.2717G>A, p.Arg906Gln (NM_001425327.1); c.2714G>A, p.Arg905Gln (NM_001425328.1); c.2579G>A, p.Arg860Gln (NM_001425329.1); c.2540G>A, p.Arg847Gln (NM_001425332.1); short protein forms R957Q, R973Q, R847Q, R860Q, R905Q, R906Q, R966Q.
Identifiers: ClinVar variation 860658 (VCV000860658.7), dbSNP rs1012435007, ClinGen allele CA27526433.

ClinVar aggregate classification (germline): Uncertain significance. Review status: criteria provided, single submitter (1 of 4 stars). 2 submissions from 2 submitters: Uncertain significance (1). 1 of the submissions does not count toward it. Last evaluated 2021-08-30.

Conditions:
Glycogen storage disease type III (GSD3). Also called: Cori disease; FORBES DISEASE. Identifiers: Orphanet 366, MedGen C0017922, MONDO:0009291, OMIM 232400.

Allele frequency attached by ClinVar (database versions not stated): gnomAD exomes 0.00001; TOPMed 0.00001.
gnomAD v4.1: 9 of 1,613,486 alleles (0.00056%); highest among the groups gnomAD compares: South Asian, 0.0022%; no homozygotes.

Submissions (2):

Labcorp Genetics (formerly Invitae), Labcorp
Classification: Uncertain significance for Glycogen storage disease type III. Last evaluated: 2021-08-30. Review status: criteria provided, single submitter. Criteria: Invitae Variant Classification Sherloc (09022015). Collection method: clinical testing. Allele origin: germline.
Comment: This sequence change replaces arginine with glutamine at codon 973 of the AGL protein (p.Arg973Gln). The arginine residue is highly conserved and there is a small physicochemical difference between arginine and glutamine. This variant is not present in population databases (ExAC no frequency). This variant has not been reported in the literature in individuals affected with AGL-related conditions. Algorithms developed to predict the effect of missense changes on protein structure and function are either unavailable or do not agree on the potential impact of this missense change (SIFT: "Deleterious"; PolyPhen-2: "Probably Damaging"; Align-GVGD: "Class C0"). In summary, the available evidence is currently insufficient to determine the role of this variant in disease. Therefore, it has been classified as a Variant of Uncertain Significance.

Natera, Inc.
Classification: Uncertain significance for Glycogen storage disease type III. Last evaluated: 2020-09-16. Review status: no assertion criteria provided. Collection method: clinical testing. Allele origin: germline. Not counted in ClinVar's aggregate classification.